The following is an entry in ClinVar:

NM_000038.6(APC):c.6169A>G (p.Lys2057Glu)

Gene: APC (APC regulator of Wnt signaling pathway; plus strand). Cytogenetic location: 5q22.2.
Variant type: single nucleotide variant.
Coding change: c.6169A>G on transcript NM_000038.6 (MANE Select); coding-DNA position 6169, A replaced by G.
Protein change: p.Lys2057Glu; replaces lysine 2057 with glutamic acid.
Molecular consequence: missense variant.
Genome position (GRCh38, 1-based): chr5:112,841,763, A>G. VCF-style: chr5-112841763-A-G. GRCh37 (hg19) VCF-style: chr5-112177460-A-G.
Other names: c.6169A>G, p.Lys2057Glu (NM_001127510.3, NM_001354895.2, NM_001407450.1); c.6115A>G, p.Lys2039Glu (NM_001127511.3); c.6223A>G, p.Lys2075Glu (NM_001354896.2, NM_001407447.1, NM_001407448.1 and 1 more transcripts); c.6199A>G, p.Lys2067Glu (NM_001354897.2); c.6094A>G, p.Lys2032Glu (NM_001354898.2); c.6085A>G, p.Lys2029Glu (NM_001354899.2); c.6046A>G, p.Lys2016Glu (NM_001354900.2); c.5992A>G, p.Lys1998Glu (NM_001354901.2, NM_001407453.1); and 11 more; short protein forms K1897E, K2016E, K2029E, K1774E, K1928E, K1956E, K2032E, K2039E.
Identifiers: ClinVar variation 1751982 (VCV001751982.3), dbSNP rs1561605597, ClinGen allele CA16034840.
Genomic context (GRCh38, chr5:112,841,763, plus strand): 5'-GACCTGTTGCAGGAATGTATAAGCTCCGCAATGCCAAAAAAGAAAAAGCCTTCAAGACTC[A>G]AGGGTGATAATGAAAAACATAGTCCCAGAAATATGGGTGGCATATTAGGTGAAGATCTGA-3'
Protein context (NP_000029.2, residues 2047-2067): MPKKKKPSRL[Lys2057Glu]GDNEKHSPRN

ClinVar aggregate classification (germline): Uncertain significance (1 of 4 stars; one submission).

Conditions:
Hereditary cancer-predisposing syndrome. Also called: Hereditary Cancer Syndrome; Hereditary neoplastic syndrome; Neoplastic Syndromes, Hereditary; Tumor predisposition. Identifiers: Orphanet 140162, MedGen C0027672, MeSH D009386, MONDO:0015356.

Submission:

Ambry Genetics
Classification: Uncertain significance for Hereditary cancer-predisposing syndrome. Last evaluated: 2024-12-18. Review status: criteria provided, single submitter. Criteria: Ambry Variant Classification Scheme 2023. Collection method: clinical testing. Allele origin: germline.
Comment: The p.K2057E variant (also known as c.6169A>G), located in coding exon 15 of the APC gene, results from an A to G substitution at nucleotide position 6169. The lysine at codon 2057 is replaced by glutamic acid, an amino acid with similar properties. This amino acid position is highly conserved in available vertebrate species. In addition, in silico predictors for this gene do not accurately predict pathogenicity. Missense alterations in APC are not a common cause of disease (Spier I et al. Genet Med. 2024 Feb;26(2):100992). Based on the available evidence, the clinical significance of this variant remains unclear.